The following is an entry in ClinVar:

NM_198586.3(NHLRC1):c.58G>A (p.Glu20Lys)

Gene: NHLRC1 (NHL repeat containing E3 ubiquitin protein ligase 1; minus strand). Cytogenetic location: 6p22.3.
Variant type: single nucleotide variant.
Coding change: c.58G>A on transcript NM_198586.3 (MANE Select); coding-DNA position 58, G replaced by A.
Protein change: p.Glu20Lys; replaces glutamic acid 20 with lysine.
Molecular consequence: missense variant.
Genome position (GRCh38, 1-based): chr6:18,122,549, C>T on the plus strand (G>A on the coding strand, the complement: NHLRC1 is on the minus strand). VCF-style: chr6-18122549-C-T. GRCh37 (hg19) VCF-style: chr6-18122780-C-T.
Other names: p.E20K:GAG>AAG; short protein forms E20K.
Identifiers: ClinVar variation 206183 (VCV000206183.2), dbSNP rs796052753, ClinGen allele CA316022.
Genomic context (GRCh38, chr6:18,122,549, plus strand): 5'-GCCGCTGCTGCCGGTGGCCAAACTTCTCAAAGCACACCTTGCACTCGAGCAGGCTGATCT[C>T]CGCCTCGCGCATGAGCTCATGCAGCGCTGGCCCGCTCTCCGAGGCTTCGGCCGCCATGGC-3'
Protein context (NP_940988.2, residues 10-30): PALHELMREA[Glu20Lys]ISLLECKVCF

ClinVar aggregate classification (germline): Uncertain significance (1 of 4 stars; one submission).

Submission:

GeneDx
Classification: Uncertain significance. Last evaluated: 2013-09-09. Review status: criteria provided, single submitter. Criteria: GeneDx Variant Classification (06012015). Collection method: clinical testing. Allele origin: germline. Affected: yes.
Comment: p.Glu20Lys (GAG>AAG): c.58 G>A in exon 1 of the NHLRC1 gene (NM_198586.2) The Glu20Lys missense change has not been published as a mutation, nor has it been reported as a benign polymorphism to our knowledge. It was not observed in approximately 6,200 individuals of European and African American ancestry in the NHLBI Exome Sequencing Project, indicating it is not a common benign variant in these populations. This variant is a non-conservative amino acid substitution of a negatively charged Glutamic acid residue with a positively charged Lysine residue at a position that is not highly conserved across species. In silico analysis is inconsistent with regard to the effect this variant may have on the protein structure/function. Therefore, based on the currently available information, it is unclear whether Glu20Lys is a disease-causing mutation or a rare benign variant. The variant is found in CHILD-EPI panel(s).